The following is an entry in ClinVar:

ClinVar aggregate classification (germline): Uncertain significance (1 of 4 stars; one submission).

Conditions:
NTRK2-related disorder. Also called: NTRK2-related condition.

gnomAD v4.1: 1 of 1,613,896 alleles (0.000062%); highest among the groups gnomAD compares: Admixed American, 0.0017%; no homozygotes.

Submission:

PreventionGenetics, part of Exact Sciences
Classification: Uncertain significance for NTRK2-related condition. Last evaluated: 2024-12-18. Review status: criteria provided, single submitter. Criteria: ACMG Guidelines, 2015. Collection method: clinical testing. Allele origin: germline.
Comment: The NTRK2 c.38C>T variant is predicted to result in the amino acid substitution p.Ala13Val. To our knowledge, this variant has not been reported in the literature or in a large population database (gnomAD), indicating this variant is rare. At this time, the clinical significance of this variant is uncertain due to the absence of conclusive functional and genetic evidence.

NM_006180.6(NTRK2):c.38C>T (p.Ala13Val)

Gene: NTRK2 (neurotrophic receptor tyrosine kinase 2; plus strand). Cytogenetic location: 9q21.33.
Variant type: single nucleotide variant.
Coding change: c.38C>T on transcript NM_006180.6 (MANE Select); coding-DNA position 38, C replaced by T.
Protein change: p.Ala13Val; replaces alanine 13 with valine.
Molecular consequence: missense variant.
Genome position (GRCh38, 1-based): chr9:84,670,786, C>T. VCF-style: chr9-84670786-C-T. GRCh37 (hg19) VCF-style: chr9-87285701-C-T.
Other names: c.38C>T, p.Ala13Val (NM_001007097.3, NM_001018064.3, NM_001018065.2 and 18 more transcripts); short protein forms A13V.
Identifiers: ClinVar variation 4988450 (VCV004988450.1).